The following is an entry in ClinVar:

NM_000059.4(BRCA2):c.6771del (p.Glu2258fs)

Gene: BRCA2 (BRCA2 DNA repair associated; plus strand). Cytogenetic location: 13q13.1.
Variant type: Deletion.
Coding change: c.6771del on transcript NM_000059.4 (MANE Select); coding-DNA position 6771, one base deleted (C; older notation c.6771delC).
Protein change: p.Glu2258fs; shifts the reading frame from glutamic acid 2258.
Molecular consequence: frameshift variant.
Genome position (GRCh38, 1-based): chr13:32,341,126, C deleted; the last of 3 consecutive C bases (chr13:32,341,124-32,341,126); deleting any one gives the same sequence. VCF-style (leftmost placement, unchanged base first): chr13-32341123-TC-T. GRCh37 (hg19) VCF-style: chr13-32915260-TC-T.
Other names: c.6771delC, p.Glu2258Lysfs (NM_001406719.1, NM_001406720.1); short protein forms E2258fs.
Identifiers: ClinVar variation 2031821 (VCV002031821.4), dbSNP rs2548534054, ClinGen allele CA2580088057.
Genomic context (GRCh38, chr13:32,341,123, plus strand): 5'-AGATGATGAACTGACAGATTCTAAACTGCCAAGTCATGCCACACATTCTCTTTTTACATG[TC>T]CCGAAAATGAGGAAATGGTTTTGTCAAATTCAAGAATTGGAAAAAGAAGAGGAGAGCCCC-3'

ClinVar aggregate classification (germline): Pathogenic (1 of 4 stars; one submission).

Conditions:
Hereditary breast ovarian cancer syndrome. Also called: Hereditary breast and/or ovarian cancer syndrome; BRCA1- and BRCA2-Associated Hereditary Breast and Ovarian Cancer; Breast and ovarian cancer; Hereditary breast and ovarian cancer; Hereditary breast and ovarian cancer syndrome (HBOC); Hereditary breast and ovarian cancer syndrome. Identifiers: Orphanet 145, MedGen C0677776, MeSH D061325, MONDO:0003582. Disease mechanism: loss of function.

Submission:

Labcorp Genetics (formerly Invitae), Labcorp
Classification: Pathogenic for Hereditary breast ovarian cancer syndrome. Last evaluated: 2022-09-22. Review status: criteria provided, single submitter. Criteria: Invitae Variant Classification Sherloc (09022015). Collection method: clinical testing. Allele origin: germline.
Comment: This sequence change creates a premature translational stop signal (p.Glu2258Lysfs*22) in the BRCA2 gene. It is expected to result in an absent or disrupted protein product. Loss-of-function variants in BRCA2 are known to be pathogenic (PMID: 20104584). This variant is not present in population databases (gnomAD no frequency). For these reasons, this variant has been classified as Pathogenic. This variant has not been reported in the literature in individuals affected with BRCA2-related conditions.

Literature cited by the submitters: PubMed 20104584.